The following is an entry in ClinVar:

ClinVar aggregate classification (germline): Uncertain significance. Review status: criteria provided, multiple submitters, no conflicts (2 of 4 stars). 3 submissions from 3 submitters: Uncertain significance (2). 1 of the submissions does not count toward it. Last evaluated 2025-07-04.

Conditions:
NYNRIN-related disorder. Also called: NYNRIN-related condition.

Allele frequency attached by ClinVar (database versions not stated): TOPMed 0.00004; gnomAD exomes 0.00002; gnomAD 0.00003.

Submissions (3):

Labcorp Genetics (formerly Invitae), Labcorp
Classification: Uncertain significance. Last evaluated: 2025-07-04. Review status: criteria provided, single submitter. Criteria: Invitae Variant Classification Sherloc (09022015). Collection method: clinical testing. Allele origin: germline.
Comment: This sequence change replaces proline, which is neutral and non-polar, with leucine, which is neutral and non-polar, at codon 425 of the NYNRIN protein (p.Pro425Leu). This variant is present in population databases (rs748401666, gnomAD 0.0009%). This variant has not been reported in the literature in individuals affected with NYNRIN-related conditions. ClinVar contains an entry for this variant (Variation ID: 2894417). Experimental studies and prediction algorithms are not available or were not evaluated, and the functional significance of this variant is currently unknown. In summary, the available evidence is currently insufficient to determine the role of this variant in disease. Therefore, it has been classified as a Variant of Uncertain Significance.

Ambry Genetics
Classification: Uncertain significance. Last evaluated: 2024-12-10. Review status: criteria provided, single submitter. Criteria: Ambry Variant Classification Scheme 2023. Collection method: clinical testing. Allele origin: germline.

PreventionGenetics, part of Exact Sciences
Classification: Uncertain significance for NYNRIN-related condition. Last evaluated: 2023-11-28. Review status: no assertion criteria provided. Collection method: clinical testing. Allele origin: germline. Not counted in ClinVar's aggregate classification.
Comment: The NYNRIN c.1274C>T variant is predicted to result in the amino acid substitution p.Pro425Leu. To our knowledge, this variant has not been reported in the literature. This variant is reported in 0.00090% of alleles in individuals of European (Non-Finnish) descent in gnomAD. At this time, the clinical significance of this variant is uncertain due to the absence of conclusive functional and genetic evidence.

NM_025081.3(NYNRIN):c.1274C>T (p.Pro425Leu)

Gene: NYNRIN (NYN domain and retroviral integrase containing; plus strand). Cytogenetic location: 14q12.
Variant type: single nucleotide variant.
Coding change: c.1274C>T on transcript NM_025081.3 (MANE Select); coding-DNA position 1274, C replaced by T.
Protein change: p.Pro425Leu; replaces proline 425 with leucine.
Molecular consequence: missense variant.
Genome position (GRCh38, 1-based): chr14:24,409,068, C>T. VCF-style: chr14-24409068-C-T. GRCh37 (hg19) VCF-style: chr14-24878274-C-T.
Other names: c.1274C>T (NM_025081.2); short protein forms P425L.
Identifiers: ClinVar variation 2894417 (VCV002894417.6), dbSNP rs748401666, ClinGen allele CA257930916.